The following is an entry in ClinVar:

NM_013391.3(DMGDH):c.101+14C>T

Gene: DMGDH (dimethylglycine dehydrogenase; minus strand). Cytogenetic location: 5q14.1.
Variant type: single nucleotide variant.
Coding change: c.101+14C>T on transcript NM_013391.3 (MANE Select); 14 bases into the intron after coding-DNA position 101, C replaced by T.
Molecular consequence: intron variant.
Genome position (GRCh38, 1-based): chr5:79,069,506, G>A on the plus strand (C>T on the coding strand, the complement: DMGDH is on the minus strand). VCF-style: chr5-79069506-G-A. GRCh37 (hg19) VCF-style: chr5-78365329-G-A.
Identifiers: ClinVar variation 509317 (VCV000509317.1), dbSNP rs1017199728, ClinGen allele CA560516948.

ClinVar aggregate classification (germline): Likely benign (1 of 4 stars; one submission).

Allele frequency attached by ClinVar (database versions not stated): TOPMed 0.00002.
gnomAD v4.1: 3 of 1,273,340 alleles (0.00024%); highest among the groups gnomAD compares: Non-Finnish European, 0.000099%; no homozygotes.

Submission:

GeneDx
Classification: Likely benign. Last evaluated: 2017-05-22. Review status: criteria provided, single submitter. Criteria: GeneDx Variant Classification (06012015). Collection method: clinical testing. Allele origin: germline. Affected: yes.
Comment: This variant is considered likely benign or benign based on one or more of the following criteria: it is a conservative change, it occurs at a poorly conserved position in the protein, it is predicted to be benign by multiple in silico algorithms, and/or has population frequency not consistent with disease.